The following is an entry in ClinVar:

ClinVar aggregate classification (germline): Pathogenic (1 of 4 stars; one submission).

Conditions:
Fabry disease. Also called: ALPHA-GALACTOSIDASE A DEFICIENCY; ANDERSON-FABRY DISEASE; CERAMIDE TRIHEXOSIDASE DEFICIENCY; GLA DEFICIENCY; HEREDITARY DYSTOPIC LIPIDOSIS; Angiokeratoma corporis diffusum. Identifiers: Orphanet 324, MedGen C0002986, MONDO:0010526, OMIM 301500, HP:0001071. Disease mechanism: Fabry disease is due to inactivating mutations in the X-linked GLA gene resulting in deficiency of the enzyme Alpha Galactosidase-A., loss of function.

Submission:

Genomenon, Inc
Classification: Pathogenic for Fabry disease. Last evaluated: 2026-09-08. Review status: criteria provided, single submitter. Criteria: Genomenon Sequence Variant Interpretation Standards - Updated. Collection method: curation. Allele origin: germline. Affected: yes.
Comment: GLA p.Gly171Arg (c.511G>C) is a missense variant that changes the amino acid at codon 171 from Glycine to Arginine. This variant has been observed in at least one proband with clinical features consistent with Fabry disease (PMID:17619837). The variant was found to segregate with disease in at least one affected family (PMID:17619837). At least one functional study has demonstrated a substantial alteration in protein function relative to the wild-type (PMID:27657681). This variant is located in a mutational hotspot and/or important functional domain. It is absent or not present at a significant frequency in gnomAD. In silico models predict that this variant is possibly or probably damaging. In conclusion, we classify GLA p.Gly171Arg (c.511G>C) as a pathogenic variant.

Literature cited by the submitters: PubMed 17619837; PubMed 27657681.

NM_000169.3(GLA):c.511G>C (p.Gly171Arg)

Genes: GLA (galactosidase alpha; minus strand), RPL36A-HNRNPH2 (RPL36A-HNRNPH2 readthrough; plus strand). Cytogenetic location: Xq22.1.
Variant type: single nucleotide variant.
Coding change: c.511G>C on transcript NM_000169.3 (MANE Select); coding-DNA position 511, G replaced by C.
Protein change: p.Gly171Arg; replaces glycine 171 with arginine.
Molecular consequence: missense variant. On other transcripts: non-coding transcript variant (3), intron variant (2).
Genome position (GRCh38, 1-based): chrX:101,401,668, C>G on the plus strand (G>C on the coding strand, the complement: GLA is on the minus strand). VCF-style: chrX-101401668-C-G. GRCh37 (hg19) VCF-style: chrX-100656656-C-G.
Other names: c.634G>C, p.Gly212Arg (NM_001406747.1, NM_001406749.1); c.511G>C, p.Gly171Arg (NM_001406748.1); c.300+6211C>G (NM_001199973.2); c.177+9846C>G (NM_001199974.2); short protein forms G171R, G212R.
Identifiers: ClinVar variation 4087404 (VCV004087404.2).